The following is an entry in ClinVar:

ClinVar aggregate classification (germline): Uncertain significance (1 of 4 stars; one submission).

Allele frequency attached by ClinVar (database versions not stated): TOPMed below 0.00001; gnomAD exomes below 0.00001.
gnomAD v4.1: 5 of 1,613,926 alleles (0.00031%); highest among the groups gnomAD compares: Admixed American, 0.0033%; no homozygotes.

Submission:

Labcorp Genetics (formerly Invitae), Labcorp
Classification: Uncertain significance. Last evaluated: 2023-12-20. Review status: criteria provided, single submitter. Criteria: Invitae Variant Classification Sherloc (09022015). Collection method: clinical testing. Allele origin: germline.
Comment: This sequence change replaces alanine, which is neutral and non-polar, with serine, which is neutral and polar, at codon 1202 of the MYH3 protein (p.Ala1202Ser). This variant is present in population databases (no rsID available, gnomAD 0.003%). This variant has not been reported in the literature in individuals affected with MYH3-related conditions. ClinVar contains an entry for this variant (Variation ID: 2076064). Advanced modeling of protein sequence and biophysical properties (such as structural, functional, and spatial information, amino acid conservation, physicochemical variation, residue mobility, and thermodynamic stability) performed at Invitae indicates that this missense variant is not expected to disrupt MYH3 protein function with a negative predictive value of 95%. In summary, the available evidence is currently insufficient to determine the role of this variant in disease. Therefore, it has been classified as a Variant of Uncertain Significance.

NM_002470.4(MYH3):c.3604G>T (p.Ala1202Ser)

Gene: MYH3 (myosin heavy chain 3; minus strand). Cytogenetic location: 17p13.1.
Variant type: single nucleotide variant.
Coding change: c.3604G>T on transcript NM_002470.4 (MANE Select); coding-DNA position 3604, G replaced by T.
Protein change: p.Ala1202Ser; replaces alanine 1202 with serine.
Molecular consequence: missense variant.
Genome position (GRCh38, 1-based): chr17:10,638,168, C>A on the plus strand (G>T on the coding strand, the complement: MYH3 is on the minus strand). VCF-style: chr17-10638168-C-A. GRCh37 (hg19) VCF-style: chr17-10541485-C-A.
Other names: short protein forms A1202S.
Identifiers: ClinVar variation 2076064 (VCV002076064.4), dbSNP rs1456368635, ClinGen allele CA398151131.